The following is an entry in ClinVar:

ClinVar aggregate classification (germline): Likely benign (1 of 4 stars; one submission).

Conditions:
PLXNA1-related disorder. Also called: PLXNA1-related condition.

gnomAD v4.1: 14 of 1,602,066 alleles (0.00087%); highest among the groups gnomAD compares: African/African-American, 0.013%; no homozygotes.

Submission:

PreventionGenetics, part of Exact Sciences
Classification: Likely benign for PLXNA1-related condition. Last evaluated: 2024-12-30. Review status: criteria provided, single submitter. Criteria: ACMG Guidelines, 2015. Collection method: clinical testing. Allele origin: germline.
Comment: This variant is classified as likely benign based on ACMG/AMP sequence variant interpretation guidelines (Richards et al. 2015 PMID: 25741868, with internal and published modifications).

NM_032242.4(PLXNA1):c.2478C>T (p.Phe826=)

Gene: PLXNA1 (plexin A1; plus strand). Cytogenetic location: 3q21.3.
Variant type: single nucleotide variant.
Coding change: c.2478C>T on transcript NM_032242.4 (MANE Select); coding-DNA position 2478, C replaced by T.
Protein change: p.Phe826=; no amino-acid change (phenylalanine 826 retained).
Molecular consequence: synonymous variant.
Genome position (GRCh38, 1-based): chr3:127,014,249, C>T. VCF-style: chr3-127014249-C-T. GRCh37 (hg19) VCF-style: chr3-126733092-C-T.
Identifiers: ClinVar variation 4980028 (VCV004980028.1).